The following is an entry in ClinVar:

ClinVar aggregate classification (germline): Pathogenic (1 of 4 stars; one submission).

Submission:

Labcorp Genetics (formerly Invitae), Labcorp
Classification: Pathogenic. Last evaluated: 2025-12-09. Review status: criteria provided, single submitter. Criteria: Invitae Variant Classification Sherloc (09022015). Collection method: clinical testing. Allele origin: germline.
Comment: This sequence change creates a premature translational stop signal (p.Arg861*) in the VPS13D gene. It is expected to result in an absent or disrupted protein product. Loss-of-function variants in VPS13D are known to be pathogenic (PMID: 29518281). This variant is not present in population databases (gnomAD no frequency). This variant has not been reported in the literature in individuals affected with VPS13D-related conditions. For these reasons, this variant has been classified as Pathogenic.

Literature cited by the submitters: PubMed 29518281.

NM_015378.4(VPS13D):c.2581C>T (p.Arg861Ter)

Gene: VPS13D (vacuolar protein sorting 13 homolog D; plus strand). Cytogenetic location: 1p36.22.
Variant type: single nucleotide variant.
Coding change: c.2581C>T on transcript NM_015378.4 (MANE Select); coding-DNA position 2581, C replaced by T.
Protein change: p.Arg861Ter; replaces arginine 861 with a stop codon.
Molecular consequence: nonsense.
Genome position (GRCh38, 1-based): chr1:12,276,169, C>T. VCF-style: chr1-12276169-C-T. GRCh37 (hg19) VCF-style: chr1-12336226-C-T.
Other names: c.2581C>T, p.Arg861Ter (NM_018156.4); short protein forms R861*.
Identifiers: ClinVar variation 4773320 (VCV004773320.1).